The following is an entry in ClinVar:

ClinVar aggregate classification (germline): Uncertain significance. Review status: criteria provided, multiple submitters, no conflicts (2 of 4 stars). 2 submissions from 2 submitters: Uncertain significance (2). Last evaluated 2025-10-06.

gnomAD v4.1: 1 of 1,614,136 alleles (0.000062%); highest among the groups gnomAD compares: Middle Eastern, 0.016%; no homozygotes.

Submissions (2):

Quest Diagnostics Nichols Institute San Juan Capistrano
Classification: Uncertain significance. Last evaluated: 2025-10-06. Review status: criteria provided, single submitter. Criteria: Quest Diagnostics criteria. Collection method: clinical testing. Allele origin: unknown.
Comment: The BRCA2 c.8737G>A (p.Asp2913Asn) variant showed benign effects in saturation genome editing assays or base editing screens measuring DNA repair-dependent cell survival (PMIDs: 39779848 (2025), 39779857 (2025), 33691754 (2021)) and in a drug sensitivity assay using mouse embryonic stem cells in the published literature (PMID: 37922907 (2023)). This variant has not been reported in large, multi-ethnic general populations (Genome Aggregation Database). Analysis of this variant using bioinformatics tools for the prediction of the effect of amino acid changes on protein structure and function yielded conflicting predictions that this variant is benign or damaging. Based on the available information, we are unable to determine the clinical significance of this variant.

GeneDx
Classification: Uncertain significance. Last evaluated: 2017-04-04. Review status: criteria provided, single submitter. Criteria: GeneDx Variant Classification (06012015). Collection method: clinical testing. Allele origin: germline. Affected: yes.
Comment: This variant is denoted BRCA2 c.8737G>A at the cDNA level, p.Asp2913Asn (D2913N) at the protein level, and results in the change of an Aspartic Acid to an Asparagine (GAC>AAC). Using alternate nomenclature, this variant would be defined as BRCA2 8965G>A. This variant has not, to our knowledge, been published in the literature as pathogenic or benign. BRCA2 Asp2913Asn was not observed in large population cohorts (NHLBI Exome Sequencing Project, The 1000 Genomes Consortium 2015, Lek 2016). Since Aspartic Acid and Asparagine differ in some properties, this is considered a semi-conservative amino acid substitution. BRCA2 Asp2913Asn occurs at a position that is conserved across species and is located in the DNA binding domain (Yang 2002). In silico analyses are inconsistent regarding the effect this variant may have on protein structure and function. Based on currently available evidence, it is unclear whether BRCA2 Asp2913Asn is a pathogenic or benign variant. We consider it to be a variant of uncertain significance.

Literature cited by the submitters: PubMed 37922907 (cited by Quest Diagnostics Nichols Institute San Juan Capistrano); PubMed 39779848 (cited by Quest Diagnostics Nichols Institute San Juan Capistrano); PubMed 33691754 (cited by Quest Diagnostics Nichols Institute San Juan Capistrano); PubMed 39779857 (cited by Quest Diagnostics Nichols Institute San Juan Capistrano).

NM_000059.4(BRCA2):c.8737G>A (p.Asp2913Asn)

Gene: BRCA2 (BRCA2 DNA repair associated; plus strand). Cytogenetic location: 13q13.1.
Variant type: single nucleotide variant.
Coding change: c.8737G>A on transcript NM_000059.4 (MANE Select); coding-DNA position 8737, G replaced by A.
Protein change: p.Asp2913Asn; replaces aspartic acid 2913 with asparagine.
Molecular consequence: missense variant.
Genome position (GRCh38, 1-based): chr13:32,376,774, G>A. VCF-style: chr13-32376774-G-A. GRCh37 (hg19) VCF-style: chr13-32950911-G-A.
Other names: short protein forms D2913N.
Identifiers: ClinVar variation 449789 (VCV000449789.3), dbSNP rs144322424, ClinGen allele CA387755025.